The following is an entry in ClinVar:

NM_001142864.4(PIEZO1):c.4362C>G (p.Asn1454Lys)

Gene: PIEZO1 (piezo type mechanosensitive ion channel component 1 (Er blood group); minus strand). Cytogenetic location: 16q24.3.
Variant type: single nucleotide variant.
Coding change: c.4362C>G on transcript NM_001142864.4 (MANE Select); coding-DNA position 4362, C replaced by G.
Protein change: p.Asn1454Lys; replaces asparagine 1454 with lysine.
Molecular consequence: missense variant.
Genome position (GRCh38, 1-based): chr16:88,723,302, G>C on the plus strand (C>G on the coding strand, the complement: PIEZO1 is on the minus strand). VCF-style: chr16-88723302-G-C. GRCh37 (hg19) VCF-style: chr16-88789710-G-C.
Other names: p.Asn1454Lys; short protein forms N1454K.
Identifiers: ClinVar variation 4542091 (VCV004542091.1).

ClinVar aggregate classification (germline): Uncertain significance (1 of 4 stars; one submission).

Submission:

Mayo Clinic Laboratories, Mayo Clinic
Classification: Uncertain significance. Last evaluated: 2025-10-07. Review status: criteria provided, single submitter. Criteria: ACMG Guidelines, 2015. Collection method: clinical testing. Allele origin: germline. Observed: 1 variant allele.
Comment: BP4, PM2_supporting